The following is an entry in ClinVar:

NM_001375808.2(LPIN2):c.1876C>T (p.Pro626Ser)

Gene: LPIN2 (lipin 2; minus strand). Cytogenetic location: 18p11.31.
Variant type: single nucleotide variant.
Coding change: c.1876C>T on transcript NM_001375808.2 (MANE Select); coding-DNA position 1876, C replaced by T.
Protein change: p.Pro626Ser; replaces proline 626 with serine.
Molecular consequence: missense variant.
Genome position (GRCh38, 1-based): chr18:2,925,286, G>A on the plus strand (C>T on the coding strand, the complement: LPIN2 is on the minus strand). VCF-style: chr18-2925286-G-A. GRCh37 (hg19) VCF-style: chr18-2925284-G-A.
Other names: c.1876C>T, p.Pro626Ser (NM_001375809.1, NM_014646.2); short protein forms P626S.
Identifiers: ClinVar variation 378095 (VCV000378095.58), dbSNP rs150806357, ClinGen allele CA8872929.

ClinVar aggregate classification (germline): Benign/Likely benign. Review status: criteria provided, multiple submitters, no conflicts (2 of 4 stars). 11 submissions from 11 submitters: Benign (3); Likely benign (6). 2 of the submissions do not count toward it. Last evaluated 2026-01-30.

Conditions:
Autoinflammatory syndrome. Identifiers: Orphanet 93665, MedGen C3890737, MONDO:0019751.
Majeed syndrome (MJDS). Also called: LPIN2-Related Majeed Syndrome; CHRONIC RECURRENT MULTIFOCAL OSTEOMYELITIS 1, WITH CONGENITAL DYSERYTHROPOIETIC ANEMIA, WITH OR WITHOUT NEUTROPHILIC DERMATOSIS. Identifiers: Orphanet 77297, MedGen C1864997, MONDO:0012316, OMIM 609628.

Allele frequency attached by ClinVar (database versions not stated): gnomAD 0.00083 and 0.00112; TOPMed 0.00095; ESP Exome Variant Server 0.00161; gnomAD exomes 0.00191 and 0.00264; 1000 Genomes Project 30x 0.00234; 1000 Genomes Project 0.00260; ExAC 0.00297.
gnomAD v4.1: 2,956 of 1,614,178 alleles (0.18%); highest among the groups gnomAD compares: South Asian, 1.1%; 20 homozygotes.

Submissions (11):

Labcorp Genetics (formerly Invitae), Labcorp
Classification: Benign for Majeed syndrome. Last evaluated: 2026-01-30. Review status: criteria provided, single submitter. Criteria: Invitae Variant Classification Sherloc (09022015). Collection method: clinical testing. Allele origin: germline.

CeGaT Center for Human Genetics Tuebingen
Classification: Likely benign. Last evaluated: 2025-11-01. Review status: criteria provided, single submitter. Criteria: CeGaT Center For Human Genetics Tuebingen Variant Classification Criteria Version 2. Collection method: clinical testing. Allele origin: germline. Affected: yes. Observed: 8 variant alleles.
Comment: LPIN2: BP4

Women's Health and Genetics/Laboratory Corporation of America, LabCorp
Classification: Likely benign. Last evaluated: 2025-10-01. Review status: criteria provided, single submitter. Criteria: LabCorp Variant Classification Summary - May 2015. Collection method: clinical testing. Allele origin: germline.

Mayo Clinic Laboratories, Mayo Clinic
Classification: Likely benign. Last evaluated: 2025-02-18. Review status: criteria provided, single submitter. Criteria: ACMG Guidelines, 2015. Collection method: clinical testing. Allele origin: germline. Observed: 4 variant alleles.
Comment: BS1, BP4_moderate

Blueprint Genetics
Classification: Likely benign. Last evaluated: 2024-11-25. Review status: criteria provided, single submitter. Criteria: ACMG Guidelines, 2015. Collection method: clinical testing. Allele origin: germline.

ARUP Laboratories, Molecular Genetics and Genomics, ARUP Laboratories
Classification: Likely benign for Majeed syndrome. Last evaluated: 2024-01-23. Review status: criteria provided, single submitter. Criteria: ARUP Molecular Germline Variant Investigation Process 2024. Collection method: clinical testing. Allele origin: germline.

GeneDx
Classification: Likely benign. Last evaluated: 2021-09-29. Review status: criteria provided, single submitter. Criteria: GeneDx Variant Classification Process June 2021. Collection method: clinical testing. Allele origin: germline. Affected: yes.
Comment: This variant is associated with the following publications: (PMID: 28750028, 26386126)

Genome Diagnostics Laboratory, The Hospital for Sick Children
Classification: Benign for Autoinflammatory syndrome. Last evaluated: 2021-05-12. Review status: criteria provided, single submitter. Criteria: ACMG Guidelines, 2015. Collection method: clinical testing. Allele origin: germline. Affected: yes.

Illumina Laboratory Services, Illumina
Classification: Benign for Majeed syndrome. Last evaluated: 2017-04-27. Review status: criteria provided, single submitter. Criteria: ICSL Variant Classification Criteria 13 December 2019. Collection method: clinical testing. Allele origin: germline.
Comment: This variant was observed as part of a predisposition screen in an ostensibly healthy population. A literature search was performed for the gene, cDNA change, and amino acid change (where applicable). Publications were found based on this search. The evidence from the literature, in combination with allele frequency data from public databases where available, was sufficient to rule this variant out of causing disease. Therefore, this variant is classified as benign.

Genome Diagnostics Laboratory, University Medical Center Utrecht
Classification: Likely benign. Review status: no assertion criteria provided. Collection method: clinical testing. Allele origin: germline. Affected: yes. Study: VKGL Data-share Consensus. Not counted in ClinVar's aggregate classification.

Laboratory of Diagnostic Genome Analysis, Leiden University Medical Center (LUMC)
Classification: Likely benign. Review status: no assertion criteria provided. Collection method: clinical testing. Allele origin: germline. Affected: yes. Study: VKGL Data-share Consensus. Not counted in ClinVar's aggregate classification.

Literature cited by the submitters: PubMed 31431992 (cited by Mayo Clinic Laboratories, Mayo Clinic); PubMed 26386126 (cited by Illumina Laboratory Services, Illumina).